The following is an entry in ClinVar:

ClinVar aggregate classification (germline): Uncertain significance. Review status: criteria provided, multiple submitters, no conflicts (2 of 4 stars). 2 submissions from 2 submitters: Uncertain significance (2). Last evaluated 2026-04-28.

Conditions:
Hereditary cancer-predisposing syndrome. Also called: Neoplastic Syndromes, Hereditary; Tumor predisposition; Hereditary Cancer Syndrome; Hereditary neoplastic syndrome. Identifiers: Orphanet 140162, MedGen C0027672, MeSH D009386, MONDO:0015356.
Neuroblastoma, susceptibility to, 3. Also called: ALK-Related Neuroblastic Tumor Susceptibility. Identifiers: Orphanet 635, MedGen C2751681, MONDO:0013083, OMIM 613014.

gnomAD v4.1: 2 of 1,614,138 alleles (0.00012%); highest among the groups gnomAD compares: Non-Finnish European, 0.00017%; no homozygotes.

Submissions (2):

Ambry Genetics
Classification: Uncertain significance for Hereditary cancer-predisposing syndrome. Last evaluated: 2026-04-28. Review status: criteria provided, single submitter. Criteria: Ambry Variant Classification Scheme 2023. Collection method: clinical testing. Allele origin: germline.
Comment: The p.G1585S variant (also known as c.4753G>A), located in coding exon 29 of the ALK gene, results from a G to A substitution at nucleotide position 4753. The glycine at codon 1585 is replaced by serine, an amino acid with similar properties. This amino acid position is highly conserved in available vertebrate species. In addition, this alteration is predicted to be tolerated by in silico analysis. Based on the available evidence, the clinical significance of this variant remains unclear.

Labcorp Genetics (formerly Invitae), Labcorp
Classification: Uncertain significance for Neuroblastoma, susceptibility to, 3. Last evaluated: 2025-03-09. Review status: criteria provided, single submitter. Criteria: Invitae Variant Classification Sherloc (09022015). Collection method: clinical testing. Allele origin: germline.
Comment: This sequence change replaces glycine, which is neutral and non-polar, with serine, which is neutral and polar, at codon 1585 of the ALK protein (p.Gly1585Ser). This variant is not present in population databases (gnomAD no frequency). This variant has not been reported in the literature in individuals affected with ALK-related conditions. ClinVar contains an entry for this variant (Variation ID: 1389001). An algorithm developed to predict the effect of missense changes on protein structure and function (PolyPhen-2) suggests that this variant is likely to be disruptive. In summary, the available evidence is currently insufficient to determine the role of this variant in disease. Therefore, it has been classified as a Variant of Uncertain Significance.

NM_004304.5(ALK):c.4753G>A (p.Gly1585Ser)

Gene: ALK (ALK receptor tyrosine kinase; minus strand). Cytogenetic location: 2p23.2.
Variant type: single nucleotide variant.
Coding change: c.4753G>A on transcript NM_004304.5 (MANE Select); coding-DNA position 4753, G replaced by A.
Protein change: p.Gly1585Ser; replaces glycine 1585 with serine.
Molecular consequence: missense variant.
Genome position (GRCh38, 1-based): chr2:29,193,334, C>T on the plus strand (G>A on the coding strand, the complement: ALK is on the minus strand). VCF-style: chr2-29193334-C-T. GRCh37 (hg19) VCF-style: chr2-29416200-C-T.
Other names: c.1549G>A, p.Gly517Ser (NM_001353765.2); c.4753G>A (NM_004304.4); short protein forms G1585S, G517S.
Identifiers: ClinVar variation 1389001 (VCV001389001.9), dbSNP rs1573077410, ClinGen allele CA346460320.